The following is an entry in ClinVar:

ClinVar aggregate classification (germline): Pathogenic/Likely pathogenic. Review status: criteria provided, multiple submitters, no conflicts (2 of 4 stars). 3 submissions from 3 submitters: Pathogenic (2); Likely pathogenic (1). Last evaluated 2025-09-30.

Conditions:
Nemaline myopathy. Also called: Myopathies, Nemaline. Identifiers: Orphanet 607, MedGen C0206157, MONDO:0018958.
Nemaline myopathy 2 (NEM2). Also called: Nemaline myopathy 2, autosomal recessive. Identifiers: MedGen C1850569, MONDO:0009725, OMIM 256030.
Arthrogryposis multiplex congenita 6. Identifiers: MedGen C5543431, MONDO:0030281, OMIM 619334.

Submissions (3):

Victorian Clinical Genetics Services, Murdoch Childrens Research Institute
Classification: Pathogenic for Arthrogryposis multiplex congenita 6. Last evaluated: 2025-09-30. Review status: criteria provided, single submitter. Criteria: ACMG Guidelines, 2015. Collection method: clinical testing. Allele origin: germline. Affected: yes.
Comment: This variant is classified as Pathogenic. Evidence in support of pathogenic classification: Variant is predicted to cause nonsense-mediated decay (NMD) and loss of protein (premature termination codon is located at least 54 nucleotides upstream of the final exon-exon junction); Variant is present in gnomAD <0.01 for a recessive condition (v4: 1 heterozygote(s), 0 homozygote(s)); This variant has limited previous evidence of pathogenicity in an unrelated individual. This variant has been classified as pathogenic by a clinical laboratory in ClinVar; Other NMD-predicted variants comparable to the one identified in this case have very strong previous evidence for pathogenicity (DECIPHER). Additional information: This variant is heterozygous; This gene is associated with autosomal recessive disease; Loss of function is a known mechanism of disease in this gene and is associated with arthrogryposis multiplex congenita 6 (MIM#619334) and nemaline myopathy 2 (MIM#256030); Heterozygous variant detected in trans with a second PATHOGENIC heterozygous variant, NM_001164508.2(NEB):c.24527_24528del; p.(Pro8176Argfs*4), in a recessive disease.

Broad Center for Mendelian Genomics, Broad Institute of MIT and Harvard
Classification: Likely pathogenic for Nemaline myopathy. Last evaluated: 2025-03-10. Review status: criteria provided, single submitter. Criteria: ACMG Guidelines, 2015. Collection method: curation. Allele origin: germline. Inheritance: Autosomal recessive inheritance.
Comment: The p.Leu5899ProfsTer10 variant in NEB has not been previously reported in the literature in individuals with nemaline myopathy, but has been identified in 0.001% (1/91066) of South Asian chromosomes by the Genome Aggregation Database (gnomAD; dbSNP ID: rs1577890764). Although this variant has been seen in the general population in a heterozygous state, its frequency is low enough to be consistent with a recessive carrier frequency. It is of note that this variant occurs in a homopolymer repeat, which could indicate that it exists as an artifact from sequencing. However, disease-causing variants have been reported in homopolymer regions, so this is not enough to rule out a pathogenic role. This variant has also been reported in ClinVar (Variation ID: 941032) and has been interpreted as pathogenic by Invitae. This variant is predicted to cause a frameshift, which alters the protein‚Äôs amino acid sequence beginning at position 5899 and leads to a premature termination codon 10 amino acids downstream. This alteration is then predicted to lead to a truncated or absent protein. Loss of function of the NEB gene is an established disease mechanism in autosomal recessive nemaline myopathy. In summary, although additional studies are required to fully establish its clinical significance, this variant is likely pathogenic for autosomal recessive nemaline myopathy. ACMG/AMP Criteria applied: PVS1, PM2_supporting (Richards 2015).

Labcorp Genetics (formerly Invitae), Labcorp
Classification: Pathogenic for Nemaline myopathy 2. Last evaluated: 2022-12-06. Review status: criteria provided, single submitter. Criteria: Invitae Variant Classification Sherloc (09022015). Collection method: clinical testing. Allele origin: germline.
Comment: This sequence change creates a premature translational stop signal (p.Leu5899Profs*10) in the NEB gene. It is expected to result in an absent or disrupted protein product. Loss-of-function variants in NEB are known to be pathogenic (PMID: 25205138). For these reasons, this variant has been classified as Pathogenic. ClinVar contains an entry for this variant (Variation ID: 941032). This variant has not been reported in the literature in individuals affected with NEB-related conditions. This variant is not present in population databases (gnomAD no frequency).

Literature cited by the submitters: PubMed 25205138 (cited by Labcorp Genetics (formerly Invitae), Labcorp).

NM_001164508.2(NEB):c.17695dup (p.Leu5899fs)

Gene: NEB (nebulin; minus strand). Cytogenetic location: 2q23.3.
Variant type: Duplication.
Coding change: c.17695dup on transcript NM_001164508.2 (MANE Select); coding-DNA position 17695, one base duplicated (C; older notation c.17695dupC).
Protein change: p.Leu5899fs; shifts the reading frame from leucine 5899.
Molecular consequence: frameshift variant.
Genome position (GRCh38, 1-based): chr2:151,568,357, G duplicated on the plus strand (C on the coding strand, the reverse complement: NEB is on the minus strand); the first of 6 consecutive G bases (chr2:151,568,357-151,568,362); duplicating any one gives the same sequence. VCF-style (leftmost placement, unchanged base first): chr2-151568356-A-AG. GRCh37 (hg19) VCF-style: chr2-152424870-A-AG.
Other names: NM_001164508.2(NEB):c.17695dup; p.Leu5899fs; c.17695dup, p.Leu5899fs (NM_001164507.2, NM_001271208.2); c.12592dup, p.Leu4198fs (NM_004543.5); short protein forms L5899fs, L4198fs.
Identifiers: ClinVar variation 941032 (VCV000941032.10), dbSNP rs2096502530, ClinGen allele CA1139657250.